The following is an entry in ClinVar:

NM_000719.7(CACNA1C):c.2795T>C (p.Ile932Thr)

Gene: CACNA1C (calcium voltage-gated channel subunit alpha1 C; plus strand). Cytogenetic location: 12p13.33.
Variant type: single nucleotide variant.
Coding change: c.2795T>C on transcript NM_000719.7 (MANE Select); coding-DNA position 2795, T replaced by C.
Protein change: p.Ile932Thr; replaces isoleucine 932 with threonine.
Molecular consequence: missense variant. On other transcripts: intron variant (8).
Genome position (GRCh38, 1-based): chr12:2,597,231, T>C. VCF-style: chr12-2597231-T-C. GRCh37 (hg19) VCF-style: chr12-2706397-T-C.
Other names: p.I932T:ATT>ACT; c.2795T>C, p.Ile932Thr (NM_001129827.2, NM_001129829.2, NM_001129831.2 and 10 more transcripts); c.2786T>C, p.Ile929Thr (NM_001129844.2); c.2794-206T>C (NM_001129840.2, NM_001129836.2, NM_001129841.2 and 5 more transcripts); short protein forms I932T, I929T.
Identifiers: ClinVar variation 190657 (VCV000190657.15), dbSNP rs786205756, ClinGen allele CA301428.
Genomic context (GRCh38, chr12:2,597,231, plus strand): 5'-CCGTCCTGCTTTTCTCCCTTCCCCATCCCATCCCCACCCTGTTCCTTTTTGTTTTGCAGA[T>C]TCTGTTTTATTTTGATATTGTTTTTACCACCATTTTCACCATTGAAATTGCTCTGAAGGT-3'
Protein context (NP_000710.5, residues 922-942): PVQHTSFRNH[Ile932Thr]LFYFDIVFTT

ClinVar aggregate classification (germline): Uncertain significance. Review status: criteria provided, multiple submitters, no conflicts (2 of 4 stars). 3 submissions from 3 submitters: Uncertain significance (3). Last evaluated 2025-11-03.

Conditions:
Cardiovascular phenotype. Identifiers: MedGen CN230736.
Long QT syndrome (LQTS). Identifiers: MedGen C0023976, MeSH D008133, MONDO:0002442. Disease mechanism: loss of function. Inheritance: Various modes of inheritance.

Allele frequency attached by ClinVar (database versions not stated): gnomAD exomes below 0.00001; gnomAD 0.00002; TOPMed 0.00002.
gnomAD v4.1: 8 of 1,605,806 alleles (0.0005%); highest among the groups gnomAD compares: African/African-American, 0.0013%; no homozygotes.

Submissions (3):

Labcorp Genetics (formerly Invitae), Labcorp
Classification: Uncertain significance for Long QT syndrome. Last evaluated: 2025-11-03. Review status: criteria provided, single submitter. Criteria: Invitae Variant Classification Sherloc (09022015). Collection method: clinical testing. Allele origin: germline.
Comment: This sequence change replaces isoleucine, which is neutral and non-polar, with threonine, which is neutral and polar, at codon 932 of the CACNA1C protein (p.Ile932Thr). This variant is not present in population databases (gnomAD no frequency). This variant has not been reported in the literature in individuals affected with CACNA1C-related conditions. ClinVar contains an entry for this variant (Variation ID: 190657). An algorithm developed to predict the effect of missense changes on protein structure and function (PolyPhen-2) suggests that this variant is likely to be disruptive. In summary, the available evidence is currently insufficient to determine the role of this variant in disease. Therefore, it has been classified as a Variant of Uncertain Significance.

GeneDx
Classification: Uncertain significance. Last evaluated: 2024-08-14. Review status: criteria provided, single submitter. Criteria: GeneDx Variant Classification Process June 2021. Collection method: clinical testing. Allele origin: germline. Affected: yes.
Comment: Has not been previously published as pathogenic or benign to our knowledge; Not observed at significant frequency in large population cohorts (gnomAD); In silico analysis supports that this missense variant has a deleterious effect on protein structure/function

Ambry Genetics
Classification: Uncertain significance for Cardiovascular phenotype. Last evaluated: 2021-07-09. Review status: criteria provided, single submitter. Criteria: Ambry Variant Classification Scheme 2023. Collection method: clinical testing. Allele origin: germline.